The following is an entry in ClinVar:

ClinVar aggregate classification (germline): Pathogenic. Review status: criteria provided, multiple submitters, no conflicts (2 of 4 stars). 4 submissions from 4 submitters: Pathogenic (3). 1 of the submissions does not count toward it. Last evaluated 2023-11-27.

Conditions:
Immunodeficiency 35 (IMD35). Also called: Susceptibility to infection due to TYK2 deficiency; TYK2 DEFICIENCY; HIES WITH ATYPICAL MYCOBACTERIOSIS, AUTOSOMAL RECESSIVE; HYPER-IgE SYNDROME WITH ATYPICAL MYCOBACTERIOSIS, AUTOSOMAL RECESSIVE. Identifiers: Orphanet 331226, MedGen C1969086, MONDO:0012682, OMIM 611521.

Submissions (4):

Labcorp Genetics (formerly Invitae), Labcorp
Classification: Pathogenic for Immunodeficiency 35. Last evaluated: 2023-11-27. Review status: criteria provided, single submitter. Criteria: Invitae Variant Classification Sherloc (09022015). Collection method: clinical testing. Allele origin: germline.
Comment: This sequence change creates a premature translational stop signal (p.Cys70Serfs*21) in the TYK2 gene. It is expected to result in an absent or disrupted protein product. Loss-of-function variants in TYK2 are known to be pathogenic (PMID: 22402565, 26304966). This variant is present in population databases (rs770927552, gnomAD 0.07%). This premature translational stop signal has been observed in individual(s) with mendelian susceptibility to mycobacterial disease (PMID: 29725107). ClinVar contains an entry for this variant (Variation ID: 225508). For these reasons, this variant has been classified as Pathogenic.

GeneDx
Classification: Pathogenic. Last evaluated: 2017-10-30. Review status: criteria provided, single submitter. Criteria: GeneDx Variant Classification (06012015). Collection method: clinical testing. Allele origin: germline. Affected: yes.
Comment: The c.209_212delGCTT variant in the TYK2 gene has been reported previously in the homozygous state in an individual with hyper-IgE syndrome (Minegishi et al., 2006). The c.209_212delGCTT variant causes a frameshift starting with codon Cysteine 70, changes this amino acid to a Serine residue, and creates a premature Stop codon at position 21 of the new reading frame, denoted p.Cys70SerfsX21. This variant is predicted to cause loss of normal protein function either through protein truncation or nonsense-mediated mRNA decay. The c.209_212delGCTT variant is observed in 12/17248 (0.07%) alleles, although not in the homozygous state, from individuals of East Asian background, in large population cohorts (Lek et al., 2016). We interpret c.209_212delGCTT as a pathogenic variant.

Soonchunhyang University Bucheon Hospital, Soonchunhyang University Medical Center
Classification: Pathogenic for Immunodeficiency 35. Last evaluated: 2016-03-18. Review status: criteria provided, single submitter. Criteria: ACMG Guidelines, 2015. Collection method: reference population. Allele origin: germline. Observed: 1 variant allele.

OMIM
Classification: Pathogenic for IMMUNODEFICIENCY 35. Last evaluated: 2006-11-01. Review status: no assertion criteria provided. Collection method: literature only. Allele origin: germline. Not counted in ClinVar's aggregate classification.

Literature cited by the submitters: PubMed 22402565 (cited by Labcorp Genetics (formerly Invitae), Labcorp); PubMed 26304966 (cited by Labcorp Genetics (formerly Invitae), Labcorp); PubMed 29725107 (cited by Labcorp Genetics (formerly Invitae), Labcorp); PubMed 17088085 (cited by Soonchunhyang University Bucheon Hospital, Soonchunhyang University Medical Center and OMIM).

NM_003331.5(TYK2):c.209_212del (p.Cys70fs)

Gene: TYK2 (tyrosine kinase 2; minus strand). Cytogenetic location: 19p13.2.
Variant type: Deletion.
Coding change: c.209_212del on transcript NM_003331.5 (MANE Select); coding-DNA positions 209 to 212, 4 bases deleted (GCTT; older notation c.209_212delGCTT).
Protein change: p.Cys70fs; shifts the reading frame from cysteine 70.
Molecular consequence: frameshift variant.
Genome position (GRCh38, 1-based): chr19:10,368,400-10,368,403, AAGC deleted on the plus strand (GCTT on the coding strand, the reverse complement: TYK2 is on the minus strand); deleting any 4 consecutive bases within chr19:10,368,400-10,368,406 gives the same sequence; the c. name uses the placement nearest the transcript's 3' end. VCF-style (leftmost placement, unchanged base first): chr19-10368399-GAAGC-G. GRCh37 (hg19) VCF-style: chr19-10479075-GAAGC-G.
Other names: c.209_212del (LRG_121t1); short protein forms C70fs.
Identifiers: ClinVar variation 225508 (VCV000225508.6), dbSNP rs770927552, ClinGen allele CA9193810.